The following is an entry in ClinVar:

ClinVar aggregate classification (germline): Uncertain significance (1 of 4 stars; one submission).

Conditions:
Aortic valve disease 2 (AOVD2). Identifiers: MedGen C3542024, MONDO:0013902, OMIM 614823.

Allele frequency attached by ClinVar (database versions not stated): TOPMed 0.00001; gnomAD 0.00002.
gnomAD v4.1: 9 of 1,227,838 alleles (0.00073%); highest among the groups gnomAD compares: South Asian, 0.02%; no homozygotes.

Submission:

Labcorp Genetics (formerly Invitae), Labcorp
Classification: Uncertain significance for Aortic valve disease 2. Last evaluated: 2023-01-01. Review status: criteria provided, single submitter. Criteria: Invitae Variant Classification Sherloc (09022015). Collection method: clinical testing. Allele origin: germline.
Comment: Experimental studies have shown that this missense change does not substantially affect SMAD6 function (PMID: 32499606). Algorithms developed to predict the effect of missense changes on protein structure and function are either unavailable or do not agree on the potential impact of this missense change (SIFT: "Deleterious"; PolyPhen-2: "Benign"; Align-GVGD: "Class C0"). This missense change has been observed in individual(s) with craniosynostosis (PMID: 32499606). This variant is present in population databases (no rsID available, gnomAD 0.01%). This sequence change replaces proline, which is neutral and non-polar, with leucine, which is neutral and non-polar, at codon 113 of the SMAD6 protein (p.Pro113Leu). In summary, the available evidence is currently insufficient to determine the role of this variant in disease. Therefore, it has been classified as a Variant of Uncertain Significance.

Literature cited by the submitters: PubMed 32499606.

NM_005585.5(SMAD6):c.338C>T (p.Pro113Leu)

Gene: SMAD6 (SMAD family member 6; plus strand). Cytogenetic location: 15q22.31.
Variant type: single nucleotide variant.
Coding change: c.338C>T on transcript NM_005585.5 (MANE Select); coding-DNA position 338, C replaced by T.
Protein change: p.Pro113Leu; replaces proline 113 with leucine.
Molecular consequence: missense variant. On other transcripts: non-coding transcript variant (1).
Genome position (GRCh38, 1-based): chr15:66,703,596, C>T. VCF-style: chr15-66703596-C-T. GRCh37 (hg19) VCF-style: chr15-66995934-C-T.
Other names: short protein forms P113L.
Identifiers: ClinVar variation 2723815 (VCV002723815.3), dbSNP rs1322032924, ClinGen allele CA392949327.